The following is an entry in ClinVar:

NM_000203.5(IDUA):c.42_43del (p.Ala15fs)

Genes: IDUA (alpha-L-iduronidase; plus strand), SLC26A1 (solute carrier family 26 member 1; minus strand). Cytogenetic location: 4p16.3.
Variant type: Deletion.
Coding change: c.42_43del on transcript NM_000203.5 (MANE Select); coding-DNA positions 42 to 43, 2 bases deleted (GG; older notation c.42_43delGG).
Protein change: p.Ala15fs; shifts the reading frame from alanine 15.
Molecular consequence: frameshift variant. On other transcripts: non-coding transcript variant (1), intron variant (1).
Genome position (GRCh38, 1-based): chr4:987,126-987,127, GG deleted. VCF-style (leftmost placement, unchanged base first): chr4-987125-TGG-T. GRCh37 (hg19) VCF-style: chr4-980913-TGG-T.
Other names: c.576+4001_576+4002del (NM_134425.4); short protein forms A15fs.
Identifiers: ClinVar variation 1724367 (VCV001724367.2), dbSNP rs2534003429, ClinGen allele CA2580071754.

ClinVar aggregate classification (germline): Likely pathogenic (1 of 4 stars; one submission).

Conditions:
Mucopolysaccharidosis, MPS-I-H/S. Also called: Mucopolysaccharidosis type IH/S. Identifiers: Orphanet 93476, MedGen C0086431, MONDO:0011759, OMIM 607015.

Submission:

Myriad Genetics, Inc.
Classification: Likely pathogenic for Mucopolysaccharidosis, MPS-I-H/S. Last evaluated: 2022-02-12. Review status: criteria provided, single submitter. Criteria: Myriad Women's Health Autosomal Recessive and X-Linked Classification Criteria (2021). Collection method: clinical testing. Allele origin: unknown.
Comment: NM_000203.3(IDUA):c.42_43delGG(A15Lfs*47) is expected to be pathogenic in the context of mucopolysaccharidosis type I. This variant is predicted to lead to an abnormal or absent protein product due to the creation of a premature termination codon in IDUA, a gene where loss-of-function variants are known to be pathogenic. Please note: this variant was assessed in the context of healthy population screening.